The following is an entry in ClinVar:

NM_153026.3(PRICKLE1):c.1563G>A (p.Leu521=)

Gene: PRICKLE1 (prickle planar cell polarity protein 1; minus strand). Cytogenetic location: 12q12.
Variant type: single nucleotide variant.
Coding change: c.1563G>A on transcript NM_153026.3 (MANE Select); coding-DNA position 1563, G replaced by A.
Protein change: p.Leu521=; no amino-acid change (leucine 521 retained).
Molecular consequence: synonymous variant.
Genome position (GRCh38, 1-based): chr12:42,464,471, C>T on the plus strand (G>A on the coding strand, the complement: PRICKLE1 is on the minus strand). VCF-style: chr12-42464471-C-T. GRCh37 (hg19) VCF-style: chr12-42858273-C-T.
Other names: c.1563G>A, p.Leu521= (NM_001144881.2, NM_001144882.2, NM_001144883.2).
Identifiers: ClinVar variation 383999 (VCV000383999.10), dbSNP rs758126980, ClinGen allele CA6519738.
Genomic context (GRCh38, chr12:42,464,471, plus strand): 5'-TGCCAAAGAATCCATCGAATCCCGAACACTTTGCTCTGGTTTCAGGTCTGACAGACACTC[C>T]AGGGAATCTTCATACCACTGTGTTTCATCATGATTATACCCTGAAGCCCCATGGTCCAGT-3'
Protein context (NP_694571.2, residues 511-531): HDETQWYEDS[Leu521=]ECLSDLKPEQ

ClinVar aggregate classification (germline): Likely benign. Review status: criteria provided, multiple submitters, no conflicts (2 of 4 stars). 3 submissions from 3 submitters: Likely benign (2). 1 of the submissions does not count toward it. Last evaluated 2022-08-09.

Conditions:
PRICKLE1-related disorder. Also called: PRICKLE1-Related Disorders; PRICKLE1-related condition. Identifiers: MedGen CN381536.
Epilepsy, progressive myoclonic, 1B. Also called: PME. Identifiers: Orphanet 308, MedGen C2676254, MONDO:0012904, OMIM 612437.

Allele frequency attached by ClinVar (database versions not stated): gnomAD exomes below 0.00001 and 0.00001; ExAC 0.00001.
gnomAD v4.1: 18 of 1,614,034 alleles (0.0011%); highest among the groups gnomAD compares: Non-Finnish European, 0.0014%; no homozygotes.

Submissions (3):

Labcorp Genetics (formerly Invitae), Labcorp
Classification: Likely benign for Epilepsy, progressive myoclonic, 1B. Last evaluated: 2022-08-09. Review status: criteria provided, single submitter. Criteria: Invitae Variant Classification Sherloc (09022015). Collection method: clinical testing. Allele origin: germline.

GeneDx
Classification: Likely benign. Last evaluated: 2016-03-04. Review status: criteria provided, single submitter. Criteria: GeneDx Variant Classification (06012015). Collection method: clinical testing. Allele origin: germline. Affected: yes.
Comment: This variant is considered likely benign or benign based on one or more of the following criteria: it is a conservative change, it occurs at a poorly conserved position in the protein, it is predicted to be benign by multiple in silico algorithms, and/or has population frequency not consistent with disease.

PreventionGenetics, part of Exact Sciences
Classification: Likely benign for PRICKLE1-related condition. Last evaluated: 2021-10-26. Review status: no assertion criteria provided. Collection method: clinical testing. Allele origin: germline. Not counted in ClinVar's aggregate classification.
Comment: This variant is classified as likely benign based on ACMG/AMP sequence variant interpretation guidelines (Richards et al. 2015 PMID: 25741868, with internal and published modifications).